The following is an entry in ClinVar:

NM_001206744.2(TPO):c.483-1G>A

Gene: TPO (thyroid peroxidase; plus strand). Cytogenetic location: 2p25.3.
Variant type: single nucleotide variant.
Coding change: c.483-1G>A on transcript NM_001206744.2 (MANE Select); the canonical splice acceptor site of the intron before coding-DNA position 483, G replaced by A.
Molecular consequence: splice acceptor variant.
Genome position (GRCh38, 1-based): chr2:1,453,693, G>A. VCF-style: chr2-1453693-G-A. GRCh37 (hg19) VCF-style: chr2-1457465-G-A.
Other names: c.483-1G>A (NM_000547.6, NM_175719.4, NM_001206745.2 and 2 more transcripts).
Identifiers: ClinVar variation 3631615 (VCV003631615.2).

ClinVar aggregate classification (germline): Likely pathogenic (1 of 4 stars; one submission).

Submission:

Labcorp Genetics (formerly Invitae), Labcorp
Classification: Likely pathogenic. Last evaluated: 2024-01-25. Review status: criteria provided, single submitter. Criteria: Invitae Variant Classification Sherloc (09022015). Collection method: clinical testing. Allele origin: germline.
Comment: This sequence change affects an acceptor splice site in intron 5 of the TPO gene. It is expected to disrupt RNA splicing. Variants that disrupt the donor or acceptor splice site typically lead to a loss of protein function (PMID: 16199547), and loss-of-function variants in TPO are known to be pathogenic (PMID: 11061528, 23236987, 25564141). This variant is not present in population databases (gnomAD no frequency). This variant has not been reported in the literature in individuals affected with TPO-related conditions. Algorithms developed to predict the effect of sequence changes on RNA splicing suggest that this variant may disrupt the consensus splice site. In summary, the currently available evidence indicates that the variant is pathogenic, but additional data are needed to prove that conclusively. Therefore, this variant has been classified as Likely Pathogenic.

Literature cited by the submitters: PubMed 16199547; PubMed 11061528; PubMed 23236987; PubMed 25564141.